The following is an entry in ClinVar:

ClinVar aggregate classification (germline): Pathogenic/Likely pathogenic. Review status: criteria provided, multiple submitters, no conflicts (2 of 4 stars). 2 submissions from 2 submitters: Pathogenic (1); Likely pathogenic (1). Last evaluated 2023-10-05.

Conditions:
Pierson syndrome. Also called: MICROCORIA-CONGENITAL NEPHROTIC SYNDROME. Identifiers: Orphanet 2670, MedGen C1836876, MONDO:0012184, OMIM 609049.
LAMB2-related infantile-onset nephrotic syndrome. Also called: NEPHROTIC SYNDROME, TYPE 5, WITHOUT OCULAR ABNORMALITIES; NEPHROTIC SYNDROME, TYPE 5, WITH OCULAR ABNORMALITIES; Nephrotic Syndrome, type 5. Identifiers: Orphanet 306507, MedGen C3280113, MONDO:0013621, OMIM 614199.

Allele frequency attached by ClinVar (database versions not stated): gnomAD exomes below 0.00001; gnomAD 0.00001.
gnomAD v4.1: 6 of 1,612,656 alleles (0.00037%); highest among the groups gnomAD compares: South Asian, 0.0022%; no homozygotes.

Submissions (2):

Labcorp Genetics (formerly Invitae), Labcorp
Classification: Likely pathogenic for LAMB2-related infantile-onset nephrotic syndrome; Pierson syndrome. Last evaluated: 2023-10-05. Review status: criteria provided, single submitter. Criteria: Invitae Variant Classification Sherloc (09022015). Collection method: clinical testing. Allele origin: germline.
Comment: This sequence change affects a donor splice site in intron 27 of the LAMB2 gene. It is expected to disrupt RNA splicing. Variants that disrupt the donor or acceptor splice site typically lead to a loss of protein function (PMID: 16199547), and loss-of-function variants in LAMB2 are known to be pathogenic (PMID: 15367484). This variant is not present in population databases (gnomAD no frequency). Disruption of this splice site has been observed in individual(s) with clinical features of LAMB2-related conditions (PMID: 20556798, 31130284, 33554690). ClinVar contains an entry for this variant (Variation ID: 449551). Algorithms developed to predict the effect of sequence changes on RNA splicing suggest that this variant may disrupt the consensus splice site. In summary, the currently available evidence indicates that the variant is pathogenic, but additional data are needed to prove that conclusively. Therefore, this variant has been classified as Likely Pathogenic.

GeneDx
Classification: Pathogenic. Last evaluated: 2017-08-23. Review status: criteria provided, single submitter. Criteria: GeneDx Variant Classification (06012015). Collection method: clinical testing. Allele origin: germline. Affected: yes.
Comment: The c.4573+1G>A variant in the LAMB2 gene has been reported previously in association with Pierson syndrome, in an affected individual who was homozygous for the c.4573+1G>A variant (Matejas et al., 2010). This splice site variant destroys the canonical splice donor site in intron 27. It is predicted to cause abnormal gene splicing, either leading to an abnormal message that is subject to nonsense-mediated mRNA decay, or to an abnormal protein product if the message is used for protein translation. The c.4573+1G>A variant is not observed in large population cohorts (Lek et al., 2016; 1000 Genomes Consortium et al., 2015; Exome Variant Server). We interpret c.4573+1G>A as a pathogenic variant.

Literature cited by the submitters: PubMed 16199547 (cited by Labcorp Genetics (formerly Invitae), Labcorp); PubMed 15367484 (cited by Labcorp Genetics (formerly Invitae), Labcorp); PubMed 20556798 (cited by Labcorp Genetics (formerly Invitae), Labcorp); PubMed 31130284 (cited by Labcorp Genetics (formerly Invitae), Labcorp); PubMed 33554690 (cited by Labcorp Genetics (formerly Invitae), Labcorp).

NM_002292.4(LAMB2):c.4573+1G>A

Gene: LAMB2 (laminin subunit beta 2; minus strand). Cytogenetic location: 3p21.31.
Variant type: single nucleotide variant.
Coding change: c.4573+1G>A on transcript NM_002292.4 (MANE Select); the canonical splice donor site of the intron after coding-DNA position 4573, G replaced by A.
Molecular consequence: splice donor variant.
Genome position (GRCh38, 1-based): chr3:49,122,703, C>T on the plus strand (G>A on the coding strand, the complement: LAMB2 is on the minus strand). VCF-style: chr3-49122703-C-T. GRCh37 (hg19) VCF-style: chr3-49160136-C-T.
Identifiers: ClinVar variation 449551 (VCV000449551.5), dbSNP rs1387723456, ClinGen allele CA352691180.